The following is an entry in ClinVar:

ClinVar aggregate classification (germline): Uncertain significance (1 of 4 stars; one submission).

Conditions:
Fanconi anemia (FA). Also called: Fanconi's anemia. Identifiers: Orphanet 84, MedGen C0015625, MeSH D005199, MONDO:0019391.

Submission:

Labcorp Genetics (formerly Invitae), Labcorp
Classification: Uncertain significance for Fanconi anemia. Last evaluated: 2022-05-28. Review status: criteria provided, single submitter. Criteria: Invitae Variant Classification Sherloc (09022015). Collection method: clinical testing. Allele origin: germline.
Comment: This sequence change replaces valine, which is neutral and non-polar, with isoleucine, which is neutral and non-polar, at codon 449 of the FANCI protein (p.Val449Ile). In summary, the available evidence is currently insufficient to determine the role of this variant in disease. Therefore, it has been classified as a Variant of Uncertain Significance. Algorithms developed to predict the effect of missense changes on protein structure and function output the following: SIFT: "Tolerated"; PolyPhen-2: "Benign"; Align-GVGD: "Class C0". The isoleucine amino acid residue is found in multiple mammalian species, which suggests that this missense change does not adversely affect protein function. This variant has not been reported in the literature in individuals affected with FANCI-related conditions. This variant is not present in population databases (gnomAD no frequency).

NM_001113378.2(FANCI):c.1345G>A (p.Val449Ile)

Gene: FANCI (FA complementation group I; plus strand). Cytogenetic location: 15q26.1.
Variant type: single nucleotide variant.
Coding change: c.1345G>A on transcript NM_001113378.2 (MANE Select); coding-DNA position 1345, G replaced by A.
Protein change: p.Val449Ile; replaces valine 449 with isoleucine.
Molecular consequence: missense variant.
Genome position (GRCh38, 1-based): chr15:89,278,738, G>A. VCF-style: chr15-89278738-G-A. GRCh37 (hg19) VCF-style: chr15-89821969-G-A.
Other names: c.1066G>A, p.Val356Ile (NM_001376910.1); c.1345G>A, p.Val449Ile (NM_001376911.1, NM_018193.3); short protein forms V449I, V356I.
Identifiers: ClinVar variation 1902792 (VCV001902792.5), dbSNP rs775363159, ClinGen allele CA393743259.